The following is an entry in ClinVar:

NM_024675.4(PALB2):c.682C>T (p.Gln228Ter)

Gene: PALB2 (partner and localizer of BRCA2; minus strand). Cytogenetic location: 16p12.2.
Variant type: single nucleotide variant.
Coding change: c.682C>T on transcript NM_024675.4 (MANE Select); coding-DNA position 682, C replaced by T.
Protein change: p.Gln228Ter; replaces glutamine 228 with a stop codon.
Molecular consequence: nonsense.
Genome position (GRCh38, 1-based): chr16:23,635,864, G>A on the plus strand (C>T on the coding strand, the complement: PALB2 is on the minus strand). VCF-style: chr16-23635864-G-A. GRCh37 (hg19) VCF-style: chr16-23647185-G-A.
Other names: NM_024675.3(PALB2):c.682C>T; p.Gln228Ter; short protein forms Q228*.
Identifiers: ClinVar variation 484222 (VCV000484222.18), dbSNP rs1327399690, ClinGen allele CA395136420.
Genomic context (GRCh38, chr16:23,635,864, plus strand): 5'-CTGTAGTCGCCCTGGTGAAATTAGGTCTTCTTAGGAATGTATCAACACCTTTTTCTGGTT[G>A]GGCAGTTGGTGGAATTAATACACTGTCTTCATTAATTTCTGTAACTGGTTCTGGAGAATC-3'

ClinVar aggregate classification (germline): Pathogenic. Review status: reviewed by expert panel (3 of 4 stars). 6 submissions from 6 submitters: Pathogenic (1). 5 of the submissions do not count toward it. Last evaluated 2023-04-05.

Conditions:
Familial cancer of breast. Also called: BREAST CANCER, FAMILIAL; Hereditary breast cancer; hereditary breast carcinoma. Identifiers: Orphanet 227535, MedGen C0346153, MONDO:0016419, OMIM 114480. Disease mechanism: loss of function.
PALB2-related cancer predisposition. Identifiers: MedGen CN377761, MONDO:0700272.
Hereditary breast ovarian cancer syndrome. Also called: Hereditary breast and ovarian cancer syndrome; Hereditary breast and ovarian cancer; Hereditary breast and ovarian cancer syndrome (HBOC); Breast and ovarian cancer; Hereditary breast and/or ovarian cancer syndrome; BRCA1- and BRCA2-Associated Hereditary Breast and Ovarian Cancer. Identifiers: Orphanet 145, MedGen C0677776, MeSH D061325, MONDO:0003582. Disease mechanism: loss of function.
Breast-ovarian cancer, familial, susceptibility to, 5 (BROVCA5). Identifiers: MedGen C5830615, MONDO:0957530, OMIM 620442.
Hereditary cancer-predisposing syndrome. Also called: Neoplastic Syndromes, Hereditary; Tumor predisposition; Hereditary Cancer Syndrome; Hereditary neoplastic syndrome. Identifiers: Orphanet 140162, MedGen C0027672, MeSH D009386, MONDO:0015356.

Allele frequency attached by ClinVar (database versions not stated): TOPMed below 0.00001; gnomAD 0.00001.
gnomAD v4.1: 1 of 1,614,016 alleles (0.000062%); highest among the groups gnomAD compares: Non-Finnish European, 0.000085%; no homozygotes.

Submissions (6):

ClinGen Hereditary Breast, Ovarian and Pancreatic Cancer Variant Curation Expert Panel, ClinGen
Classification: Pathogenic for PALB2-related cancer predisposition. Last evaluated: 2023-04-05. Review status: reviewed by expert panel. Criteria: ClinGen HBOP VCEP ACMG Specifications PALB2 V1.0.0. Collection method: curation. Allele origin: germline. Inheritance: Autosomal dominant inheritance.
Comment: The c.682C>T (p.Gln228Ter) variant in PALB2 is a nonsense variant predicted to cause a premature stop codon in biologically-relevant exon 4 leading to nonsense mediated decay in a gene in which loss-of-function is an established disease mechanism. This variant is absent in the gnomAD v2.1.1. This alteration results in a termination codon upstream of the most C-terminus pathogenic alteration (PALB2 p.Tyr1183*) as classified by the HBOP VCEP, and is expected to be more deleterious. In summary, this variant meets criteria to be classified as pathogenic for autosomal dominant hereditary breast and pancreatic cancer and autosomal recessive FANCN based on the ACMG/AMP criteria applied as specified by the HBOP VCEP. (PVS1, PM2_Supporting, PM5_Supporting)

KCCC/NGS Laboratory, Kuwait Cancer Control Center
Classification: Pathogenic for Breast-ovarian cancer, familial, susceptibility to, 5. Last evaluated: 2025-12-01. Review status: criteria provided, single submitter. Criteria: ACMG Guidelines, 2015. Collection method: clinical testing. Allele origin: germline. Inheritance: Autosomal dominant inheritance. Affected: yes. Not counted in ClinVar's aggregate classification.
Comment: A known pathogenic mutation.

Labcorp Genetics (formerly Invitae), Labcorp
Classification: Pathogenic for Familial cancer of breast. Last evaluated: 2025-09-16. Review status: criteria provided, single submitter. Criteria: Invitae Variant Classification Sherloc (09022015). Collection method: clinical testing. Allele origin: germline. Not counted in ClinVar's aggregate classification.
Comment: This sequence change creates a premature translational stop signal (p.Gln228*) in the PALB2 gene. It is expected to result in an absent or disrupted protein product. Loss-of-function variants in PALB2 are known to be pathogenic (PMID: 17200668, 17200671, 17200672, 24136930, 25099575). This variant is not present in population databases (gnomAD no frequency). This variant has not been reported in the literature in individuals affected with PALB2-related conditions. ClinVar contains an entry for this variant (Variation ID: 484222). For these reasons, this variant has been classified as Pathogenic.

Women's Health and Genetics/Laboratory Corporation of America, LabCorp
Classification: Pathogenic for Hereditary breast ovarian cancer syndrome. Last evaluated: 2024-01-02. Review status: criteria provided, single submitter. Criteria: LabCorp Variant Classification Summary - May 2015. Collection method: clinical testing. Allele origin: germline. Not counted in ClinVar's aggregate classification.
Comment: Variant summary: PALB2 c.682C>T (p.Gln228X) results in a premature termination codon, predicted to cause a truncation of the encoded protein or absence of the protein due to nonsense mediated decay, which are commonly known mechanisms for disease. The variant was absent in 251096 control chromosomes. c.682C>T has been reported in the literature in at least one individual affected with breast cancer (e.g. Yang_2020). To our knowledge, no experimental evidence demonstrating an impact on protein function has been reported. Four submitters, including one expert panel (ClinGen), have cited clinical-significance assessments for this variant to ClinVar after 2014. All submitters classified the variant as pathogenic. Based on the evidence outlined above, the variant was classified as pathogenic.

Myriad Genetics, Inc.
Classification: Pathogenic for Familial cancer of breast. Last evaluated: 2023-09-06. Review status: criteria provided, single submitter. Criteria: Myriad Autosomal Dominant, Autosomal Recessive and X-Linked Classification Criteria (2023). Collection method: clinical testing. Allele origin: unknown. Not counted in ClinVar's aggregate classification.
Comment: This variant is considered pathogenic. This variant creates a termination codon and is predicted to result in premature protein truncation.

Ambry Genetics
Classification: Pathogenic for Hereditary cancer-predisposing syndrome. Last evaluated: 2023-07-19. Review status: criteria provided, single submitter. Criteria: Ambry Variant Classification Scheme 2023. Collection method: clinical testing. Allele origin: germline. Not counted in ClinVar's aggregate classification.
Comment: The p.Q228* pathogenic mutation (also known as c.682C>T), located in coding exon 4 of the PALB2 gene, results from a C to T substitution at nucleotide position 682. This changes the amino acid from a glutamine to a stop codon within coding exon 4. This alteration is expected to result in loss of function by premature protein truncation or nonsense-mediated mRNA decay. As such, this alteration is interpreted as a disease-causing mutation.

Literature cited by the submitters: PubMed 17200668 (cited by Labcorp Genetics (formerly Invitae), Labcorp); PubMed 17200671 (cited by Labcorp Genetics (formerly Invitae), Labcorp); PubMed 17200672 (cited by Labcorp Genetics (formerly Invitae), Labcorp); PubMed 24136930 (cited by Labcorp Genetics (formerly Invitae), Labcorp); PubMed 25099575 (cited by Labcorp Genetics (formerly Invitae), Labcorp); PubMed 31841383 (cited by Women's Health and Genetics/Laboratory Corporation of America, LabCorp).